The following is an entry in ClinVar:

ClinVar aggregate classification (germline): Uncertain significance (1 of 4 stars; one submission).

Submission:

GeneDx
Classification: Uncertain significance. Last evaluated: 2013-05-20. Review status: criteria provided, single submitter. Criteria: GeneDx Variant Classification (06012015). Collection method: clinical testing. Allele origin: germline. Affected: yes.
Comment: p.Ile83Asn (ATT>AAT): c.248 T>A in exon 2 of the GAMT gene (NM_000156.4) The Ile83Asn missense change has not been published as a mutation, nor has it been reported as a benign polymorphism to our knowledge. It was not observed in approximately 6,500 individuals of European and African American ancestry in the NHLBI Exome Sequencing Project, indicating it is not a common benign variant in these populations. Ile83Asn is a non-conservative amino acid substitution as a non-polar Isoleucine residue is replaced by a polar Asparagine residue at a position in the GAMT protein that is conserved across species. In silico algorithms are not consistent in their prediction of whether or not Ile83Asn is damaging to the structure/function of the GAMT protein. Therefore, based on the currently available information, it is unclear whether Ile83Asn is a disease-causing mutation or a rare benign variant. The variant is found in EPILEPSY panel(s).

NM_000156.6(GAMT):c.248T>A (p.Ile83Asn)

Gene: GAMT (guanidinoacetate N-methyltransferase; minus strand). Cytogenetic location: 19p13.3.
Variant type: single nucleotide variant.
Coding change: c.248T>A on transcript NM_000156.6 (MANE Select); coding-DNA position 248, T replaced by A.
Protein change: p.Ile83Asn; replaces isoleucine 83 with asparagine.
Molecular consequence: missense variant.
Genome position (GRCh38, 1-based): chr19:1,399,872, A>T on the plus strand (T>A on the coding strand, the complement: GAMT is on the minus strand). VCF-style: chr19-1399872-A-T. GRCh37 (hg19) VCF-style: chr19-1399871-A-T.
Other names: p.I83N:ATT>AAT; c.248T>A, p.Ile83Asn (NM_138924.3); short protein forms I83N.
Identifiers: ClinVar variation 205577 (VCV000205577.2), dbSNP rs796052523, ClinGen allele CA314798.